The following is an entry in ClinVar:

NM_001100913.3(PACS2):c.1527C>T (p.Ser509=)

Gene: PACS2 (phosphofurin acidic cluster sorting protein 2; plus strand). Cytogenetic location: 14q32.33.
Variant type: single nucleotide variant.
Coding change: c.1527C>T on transcript NM_001100913.3 (MANE Select); coding-DNA position 1527, C replaced by T.
Protein change: p.Ser509=; no amino-acid change (serine 509 retained).
Molecular consequence: synonymous variant.
Genome position (GRCh38, 1-based): chr14:105,382,815, C>T. VCF-style: chr14-105382815-C-T. GRCh37 (hg19) VCF-style: chr14-105849152-C-T.
Other names: c.1290C>T, p.Ser430= (NM_001243127.3); c.1515C>T, p.Ser505= (NM_015197.4).
Identifiers: ClinVar variation 1542165 (VCV001542165.9), dbSNP rs782027893, ClinGen allele CA7388857.

ClinVar aggregate classification (germline): Likely benign. Review status: criteria provided, multiple submitters, no conflicts (2 of 4 stars). 2 submissions from 2 submitters: Likely benign (2). Last evaluated 2026-09-01.

Allele frequency attached by ClinVar (database versions not stated): gnomAD exomes 0.00004 and 0.00002; ExAC 0.00007; gnomAD 0.00011; TOPMed 0.00013.
gnomAD v4.1: 45 of 1,594,338 alleles (0.0028%); highest among the groups gnomAD compares: African/African-American, 0.024%; no homozygotes.

Submissions (2):

CeGaT Center for Human Genetics Tuebingen
Classification: Likely benign. Last evaluated: 2026-09-01. Review status: criteria provided, single submitter. Criteria: CeGaT Center For Human Genetics Tuebingen Variant Classification Criteria Version 2. Collection method: clinical testing. Allele origin: germline. Affected: yes. Observed: 1 variant allele.
Comment: PACS2: BP4, BP7

Labcorp Genetics (formerly Invitae), Labcorp
Classification: Likely benign. Last evaluated: 2026-01-05. Review status: criteria provided, single submitter. Criteria: Invitae Variant Classification Sherloc (09022015). Collection method: clinical testing. Allele origin: germline.